The following is an entry in ClinVar:

NM_001129.5(AEBP1):c.2263C>G (p.Pro755Ala)

Gene: AEBP1 (AE binding protein 1; plus strand). Cytogenetic location: 7p13.
Variant type: single nucleotide variant.
Coding change: c.2263C>G on transcript NM_001129.5 (MANE Select); coding-DNA position 2263, C replaced by G.
Protein change: p.Pro755Ala; replaces proline 755 with alanine.
Molecular consequence: missense variant.
Genome position (GRCh38, 1-based): chr7:44,112,603, C>G. VCF-style: chr7-44112603-C-G. GRCh37 (hg19) VCF-style: chr7-44152202-C-G.
Other names: short protein forms P755A.
Identifiers: ClinVar variation 1803690 (VCV001803690.6), dbSNP rs773376868, ClinGen allele CA4238167.

ClinVar aggregate classification (germline): Uncertain significance. Review status: criteria provided, multiple submitters, no conflicts (2 of 4 stars). 4 submissions from 4 submitters: Uncertain significance (4). Last evaluated 2026-04-03.

Conditions:
AEBP1-related disorder. Also called: AEBP1-related condition.

Allele frequency attached by ClinVar (database versions not stated): TOPMed 0.00003; ExAC 0.00005.
gnomAD v4.1: 59 of 1,606,338 alleles (0.0037%); highest among the groups gnomAD compares: Admixed American, 0.005%; no homozygotes.

Submissions (4):

GeneDx
Classification: Uncertain significance. Last evaluated: 2026-04-03. Review status: criteria provided, single submitter. Criteria: GeneDx Variant Classification Process June 2021. Collection method: clinical testing. Allele origin: germline.
Comment: In silico analysis supports that this missense variant has a deleterious effect on protein structure/function; Has not been previously published as pathogenic or benign to our knowledge

PreventionGenetics, part of Exact Sciences
Classification: Uncertain significance for AEBP1-related condition. Last evaluated: 2025-08-04. Review status: criteria provided, single submitter. Criteria: ACMG Guidelines, 2015. Collection method: clinical testing. Allele origin: germline.
Comment: The AEBP1 c.2263C>G variant is predicted to result in the amino acid substitution p.Pro755Ala. To our knowledge, this variant has not been reported in the literature. This variant is reported in 0.0089% of alleles in individuals of European (Non-Finnish) descent in gnomAD. At this time, the clinical significance of this variant is uncertain due to the absence of conclusive functional and genetic evidence.

Women's Health and Genetics/Laboratory Corporation of America, LabCorp
Classification: Uncertain significance. Last evaluated: 2025-03-18. Review status: criteria provided, single submitter. Criteria: LabCorp Variant Classification Summary - May 2015. Collection method: clinical testing. Allele origin: germline.
Comment: Variant summary: AEBP1 c.2263C>G (p.Pro755Ala) results in a non-conservative amino acid change in the encoded protein sequence. Four of five in-silico tools predict a damaging effect of the variant on protein function. The variant allele was found at a frequency of 5.2e-05 in 249140 control chromosomes. This frequency is not significantly higher than estimated for a pathogenic variant in AEBP1 causing Ehlers-Danlos syndrome, classic-like, 2 (5.2e-05 vs 0.0011), allowing no conclusion about variant significance. To our knowledge, no occurrence of c.2263C>G in individuals affected with Ehlers-Danlos syndrome, classic-like, 2 and no experimental evidence demonstrating its impact on protein function have been reported. ClinVar contains an entry for this variant (Variation ID: 1803690). Based on the evidence outlined above, the variant was classified as uncertain significance.

Labcorp Genetics (formerly Invitae), Labcorp
Classification: Uncertain significance. Last evaluated: 2022-05-12. Review status: criteria provided, single submitter. Criteria: Invitae Variant Classification Sherloc (09022015). Collection method: clinical testing. Allele origin: germline.
Comment: This sequence change replaces proline, which is neutral and non-polar, with alanine, which is neutral and non-polar, at codon 755 of the AEBP1 protein (p.Pro755Ala). This variant is present in population databases (rs773376868, gnomAD 0.008%). This variant has not been reported in the literature in individuals affected with AEBP1-related conditions. Algorithms developed to predict the effect of missense changes on protein structure and function (SIFT, PolyPhen-2, Align-GVGD) all suggest that this variant is likely to be disruptive. In summary, the available evidence is currently insufficient to determine the role of this variant in disease. Therefore, it has been classified as a Variant of Uncertain Significance.